The following is an entry in ClinVar:

ClinVar aggregate classification (germline): Likely benign. Review status: criteria provided, single submitter (1 of 4 stars). 2 submissions from 2 submitters: Likely benign (1). 1 of the submissions does not count toward it. Last evaluated 2025-09-02.

Conditions:
Cryptosporidiosis-chronic cholangitis-liver disease syndrome. Also called: IL21R immunodeficiency; Immunodeficiency type 56. Identifiers: Orphanet 357329, MedGen C3554687, MONDO:0014082, OMIM 615207.
IL21R-related disorder. Also called: IL21R-related condition.

Allele frequency attached by ClinVar (database versions not stated): gnomAD exomes 0.00002 and 0.00009; ExAC 0.00003; gnomAD 0.00003 and 0.00004; TOPMed 0.00003.
gnomAD v4.1: 138 of 1,613,292 alleles (0.0086%); highest among the groups gnomAD compares: Non-Finnish European, 0.012%; no homozygotes.

Submissions (2):

Labcorp Genetics (formerly Invitae), Labcorp
Classification: Likely benign for Cryptosporidiosis-chronic cholangitis-liver disease syndrome. Last evaluated: 2025-09-02. Review status: criteria provided, single submitter. Criteria: Invitae Variant Classification Sherloc (09022015). Collection method: clinical testing. Allele origin: germline.

PreventionGenetics, part of Exact Sciences
Classification: Likely benign for IL21R-related condition. Last evaluated: 2020-12-01. Review status: no assertion criteria provided. Collection method: clinical testing. Allele origin: germline. Not counted in ClinVar's aggregate classification.
Comment: This variant is classified as likely benign based on ACMG/AMP sequence variant interpretation guidelines (Richards et al. 2015 PMID: 25741868, with internal and published modifications).

NM_181078.3(IL21R):c.1419C>T (p.Val473=)

Genes: IL21R (interleukin 21 receptor; plus strand), IL21R-AS1 (IL21R antisense RNA 1; minus strand), LOC130058713 (ATAC-STARR-seq lymphoblastoid active region 10627; plus strand). Cytogenetic location: 16p12.1.
Variant type: single nucleotide variant.
Coding change: c.1419C>T on transcript NM_181078.3 (MANE Select); coding-DNA position 1419, C replaced by T.
Protein change: p.Val473=; no amino-acid change (valine 473 retained).
Molecular consequence: synonymous variant. On other transcripts: non-coding transcript variant (1).
Genome position (GRCh38, 1-based): chr16:27,449,085, C>T. VCF-style: chr16-27449085-C-T. GRCh37 (hg19) VCF-style: chr16-27460406-C-T.
Other names: c.1419C>T, p.Val473= (NM_021798.4); c.1485C>T, p.Val495= (NM_181079.5); c.1419C>T (NM_021798.3).
Identifiers: ClinVar variation 1145181 (VCV001145181.11), dbSNP rs772729390, ClinGen allele CA7975200.
Genomic context (GRCh38, chr16:27,449,085, plus strand): 5'-TGCAGATGGGGAGGACTGGGCTGGGGGACTGCCCTGGGGTGGCCGGTCACCTGGAGGGGT[C>T]TCAGAGAGTGAGGCGGGCTCACCCCTGGCCGGCCTGGATATGGACACGTTTGACAGTGGC-3'
Protein context (NP_851564.1, residues 463-483): LPWGGRSPGG[Val473=]SESEAGSPLA